The following is an entry in ClinVar:

ClinVar aggregate classification (germline): Benign (1 of 4 stars; one submission).

gnomAD v4.1: 20,261 of 1,610,524 alleles (1.3%); highest among the groups gnomAD compares: Middle Eastern, 2.1%; 179 homozygotes.

Submission:

CeGaT Center for Human Genetics Tuebingen
Classification: Benign. Last evaluated: 2026-07-01. Review status: criteria provided, single submitter. Criteria: CeGaT Center For Human Genetics Tuebingen Variant Classification Criteria Version 2. Collection method: clinical testing. Allele origin: germline. Affected: yes. Observed: 2 variant alleles.
Comment: SRP19: BS1, BS2

NM_003135.3(SRP19):c.41+18G>A

Genes: SRP19 (signal recognition particle 19; plus strand), LOC112997553 (Sharpr-MPRA regulatory region 9882; plus strand). Cytogenetic location: 5q22.2.
Variant type: single nucleotide variant.
Coding change: c.41+18G>A on transcript NM_003135.3 (MANE Select); 18 bases into the intron after coding-DNA position 41, G replaced by A.
Molecular consequence: intron variant.
Genome position (GRCh38, 1-based): chr5:112,861,435, G>A. VCF-style: chr5-112861435-G-A. GRCh37 (hg19) VCF-style: chr5-112197132-G-A.
Other names: c.41+18G>A (NM_001204199.2, NM_001204194.2, NM_001204196.2 and 1 more transcripts).
Identifiers: ClinVar variation 4083647 (VCV004083647.8).
Genomic context (GRCh38, chr5:112,861,435, plus strand): 5'-AGATGGCTTGCGCTGCCGCGCGGTCCCCGGCCGACCAGGACAGGTGGGTTCTGAGGCGGT[G>A]GGTCCTCCGAAAGGAAGGGGCTTGCTGTGGTGCTGCAGGTGCTACACCGCGCTTCTCCGC-3'